The following is an entry in ClinVar:

ClinVar aggregate classification (somatic clinical impact): Tier I - Strong (1 of 4 stars; one submission).

Conditions:
Dysembryoplastic neuroepithelial tumor. Identifiers: Orphanet 251946, MedGen C1266177, MONDO:0005505, HP:0033703.

Submission:

Institute for Genomic Medicine (IGM) Clinical Laboratory, Nationwide Children's Hospital
Classification: Tier I - Strong for Dysembryoplastic neuroepithelial tumor. Assertion type: diagnostic. Clinical significance: supports diagnosis. Last evaluated: 2025-02-03. Review status: criteria provided, single submitter. Criteria: AMP/ASCO/CAP Guidelines, 2017. Collection method: clinical testing. Allele origin: somatic. Affected: yes.
Comment: Variant has Tier I (strong) clinical significance as a diagnostic inclusion criterion in dysembryoplastic neuroepithelial tumor, based on the following evidence: 1) Appears in one or more well-established professional guidelines (e.g., World Health Organization [WHO]; National Comprehensive Cancer Network [NCCN]) as providing diagnostic, prognostic, or therapeutic information. 2) Diagnostic for a specific tumor type/classification according to professional guidelines (Evidence Level A; PMIDs: 26810070, 26920151, 30825062, 35836307).

Literature cited by the submitters: PubMed 26810070; PubMed 26920151; PubMed 30825062; PubMed 35836307.

NM_023110.3(FGFR1):c.1964_1966delinsTAG (p.Lys655_Lys656delinsIleGlu)

Gene: FGFR1 (fibroblast growth factor receptor 1; minus strand). Cytogenetic location: 8p11.23.
Variant type: Indel.
Coding change: c.1964_1966delinsTAG on transcript NM_023110.3 (MANE Select); coding-DNA positions 1964 to 1966, AAA replaced by TAG.
Protein change: p.Lys655_Lys656delinsIleGlu.
Molecular consequence: missense variant.
Genome position (GRCh38, 1-based): chr8:38,414,790-38,414,792, TTT replaced by CTA on the plus strand (AAA replaced by TAG on the coding strand, the reverse complement: FGFR1 is on the minus strand). VCF-style: chr8-38414790-TTT-CTA. GRCh37 (hg19) VCF-style: chr8-38272308-TTT-CTA.
Other names: c.1958_1960delinsTAG, p.Lys653_Lys654delinsIleGlu (NM_001174063.2, NM_001174065.2, NM_001354367.2 and 1 more transcripts); c.1934_1936delinsTAG, p.Lys645_Lys646delinsIleGlu (NM_001174064.2); c.1697_1699delinsTAG, p.Lys566_Lys567delinsIleGlu (NM_001174066.2, NM_023105.3); c.2057_2059delinsTAG, p.Lys686_Lys687delinsIleGlu (NM_001174067.2); c.1685_1687delinsTAG, p.Lys562_Lys563delinsIleGlu (NM_001354368.2); c.1952_1954delinsTAG, p.Lys651_Lys652delinsIleGlu (NM_001354369.2, NM_001410922.1); c.1691_1693delinsTAG, p.Lys564_Lys565delinsIleGlu (NM_001354370.2, NM_023106.3).
Identifiers: ClinVar variation 4530558 (VCV004530558.1).